The following is an entry in ClinVar:

ClinVar aggregate classification (germline): Likely benign (0 of 4 stars; one submission).

Conditions:
NUP93-related disorder. Also called: NUP93-related condition.

Allele frequency attached by ClinVar (database versions not stated): ExAC 0.00013; 1000 Genomes Project 30x 0.00047; 1000 Genomes Project 0.00060.
gnomAD v4.1: 258 of 1,614,072 alleles (0.016%); highest among the groups gnomAD compares: East Asian, 0.5%; 2 homozygotes.

Submission:

PreventionGenetics, part of Exact Sciences
Classification: Likely benign for NUP93-related condition. Last evaluated: 2019-07-19. Review status: no assertion criteria provided. Collection method: clinical testing. Allele origin: germline.
Comment: This variant is classified as likely benign based on ACMG/AMP sequence variant interpretation guidelines (Richards et al. 2015 PMID: 25741868, with internal and published modifications).

NM_014669.5(NUP93):c.1200C>T (p.Thr400=)

Gene: NUP93 (nucleoporin 93; plus strand). Cytogenetic location: 16q13.
Variant type: single nucleotide variant.
Coding change: c.1200C>T on transcript NM_014669.5 (MANE Select); coding-DNA position 1200, C replaced by T.
Protein change: p.Thr400=; no amino-acid change (threonine 400 retained).
Molecular consequence: synonymous variant.
Genome position (GRCh38, 1-based): chr16:56,831,956, C>T. VCF-style: chr16-56831956-C-T. GRCh37 (hg19) VCF-style: chr16-56865868-C-T.
Other names: c.831C>T, p.Thr277= (NM_001242795.2, NM_001242796.2).
Identifiers: ClinVar variation 3049836 (VCV003049836.2), dbSNP rs142581530, ClinGen allele CA8068342.
Genomic context (GRCh38, chr16:56,831,956, plus strand): 5'-GAACAATACAGATCCCTACAAGCGGGCCGTGTACTGTATCATTGGCAGATGTGACGTCAC[C>T]GACAACCAGAGTGAAGTGGCGGACAAAACTGAGGATTACCTGTGGCTGAAGGTAGGCACT-3'
Protein context (NP_055484.3, residues 390-410): VYCIIGRCDV[Thr400=]DNQSEVADKT